The following is an entry in ClinVar:

ClinVar aggregate classification (germline): Conflicting classifications of pathogenicity. Review status: criteria provided, conflicting classifications (1 of 4 stars). 2 submissions from 2 submitters: Uncertain significance (1); Likely benign (1). Last evaluated 2023-05-13.

Submissions (2):

Labcorp Genetics (formerly Invitae), Labcorp
Classification: Likely benign. Last evaluated: 2023-05-13. Review status: criteria provided, single submitter. Criteria: Invitae Variant Classification Sherloc (09022015). Collection method: clinical testing. Allele origin: germline.

Laboratory for Molecular Medicine, Mass General Brigham Personalized Medicine
Classification: Uncertain significance. Last evaluated: 2017-01-12. Review status: criteria provided, single submitter. Criteria: LMM Criteria. Collection method: clinical testing. Allele origin: germline. Observed: 1 variant allele.
Comment: proposed classification - variant undergoing re-assessment, contact laboratory

NM_001384474.1(LOXHD1):c.5113_5125dup (p.Val1709fs)

Gene: LOXHD1 (lipoxygenase homology PLAT domains 1; minus strand). Cytogenetic location: 18q21.1.
Variant type: Duplication.
Coding change: c.5113_5125dup on transcript NM_001384474.1 (MANE Select); coding-DNA positions 5113 to 5125, 13 bases duplicated (AGCTGCTGGCTGG).
Protein change: p.Val1709fs; shifts the reading frame from valine 1709.
Molecular consequence: frameshift variant. On other transcripts: intron variant (1).
Genome position (GRCh38, 1-based): chr18:46,521,243-46,521,255, CCAGCCAGCAGCT duplicated on the plus strand (AGCTGCTGGCTGG on the coding strand, the reverse complement: LOXHD1 is on the minus strand); duplicating any 13 consecutive bases within chr18:46,521,243-46,521,256 gives the same sequence; the c. name uses the placement nearest the transcript's 3' end. VCF-style (leftmost placement, unchanged base first): chr18-46521242-A-ACCAGCCAGCAGCT. GRCh37 (hg19) VCF-style: chr18-44101205-A-ACCAGCCAGCAGCT.
Other names: c.1780_1792dup, p.Val598fs (NM_001145472.3); c.1492_1504dup, p.Val502fs (NM_001308013.2); c.5085+846_5085+858dup (NM_144612.7); short protein forms V598fs, V502fs, V1709fs.
Identifiers: ClinVar variation 228809 (VCV000228809.7), dbSNP rs876657855, ClinGen allele CA10577069.
Genomic context (GRCh38, chr18:46,521,242, plus strand): 5'-CAGTTACAGTTCAACATGTACTTGGTGCCCTGGGTGGGCACTGCCAAACACAACTCTTCC[A>ACCAGCCAGCAGCT]CCAGCCAGCAGCTCTCAGGGGAGGCCCCGTCATGGCCCAGCTAGGAGGAGACACACCTGA-3'